The following is an entry in ClinVar:

ClinVar aggregate classification (germline): Conflicting classifications of pathogenicity. Review status: criteria provided, conflicting classifications (1 of 4 stars). 11 submissions from 11 submitters: Uncertain significance (4); Likely benign (7). Last evaluated 2026-05-27.

Conditions:
TTN-related disorder. Also called: TTN-related disorders; TTN-related condition; TTN-related disease.
Cardiovascular phenotype. Identifiers: MedGen CN230736.
Autosomal recessive limb-girdle muscular dystrophy type 2J (LGMDR10). Also called: Limb-girdle muscular dystrophy, type 2J; MUSCULAR DYSTROPHY, LIMB-GIRDLE, AUTOSOMAL RECESSIVE 10. Identifiers: Orphanet 140922, MedGen C1837342, MONDO:0012127, OMIM 608807.
Dilated cardiomyopathy 1G (CMD1G). Identifiers: Orphanet 154, MedGen C1858763, MONDO:0011400, OMIM 604145.
Limb-girdle muscular dystrophy (LGMD). Also called: Muscular Dystrophies, Limb-Girdle. Identifiers: Orphanet 263, MedGen C0686353, MeSH D049288, MONDO:0016971, HP:0006785.

Allele frequency attached by ClinVar (database versions not stated): gnomAD exomes 0.00005 and 0.00010; ExAC 0.00012; gnomAD 0.00030 and 0.00031; TOPMed 0.00033; ESP Exome Variant Server 0.00040; 1000 Genomes Project 30x 0.00062; 1000 Genomes Project 0.00080.
gnomAD v4.1: 125 of 1,613,802 alleles (0.0077%); highest among the groups gnomAD compares: African/African-American, 0.11%; no homozygotes.

Submissions (11):

Women's Health and Genetics/Laboratory Corporation of America, LabCorp
Classification: Likely benign. Last evaluated: 2026-05-27. Review status: criteria provided, single submitter. Criteria: LabCorp Variant Classification Summary - May 2015. Collection method: clinical testing. Allele origin: germline.
Comment: Variant summary: TTN c.85511G>A (p.Arg28504His) results in a non-conservative amino acid change in the encoded protein sequence. Algorithms developed to predict the effect of missense changes on protein structure and function are either unavailable or do not agree on the potential impact of this missense change. The variant allele was found at a frequency of 0.0001 in 248210 control chromosomes, predominantly at a frequency of 0.0011 within the African or African-American subpopulation in the gnomAD database. The observed variant frequency within African or African-American control individuals in the gnomAD database exceeds the estimated maximal expected allele frequency for disease-causing variants in TTN. c.85511G>A has been observed in an individual with hypertrophic cardiomyopathy who also carried a varaint in a different cardiomyopathy related gene (Mademont-Soler_2017). These report(s) do not provide unequivocal conclusions about association of the variant with Autosomal Recessive Titinopathy. To our knowledge, no experimental evidence demonstrating an impact on protein function has been reported. The following publication have been ascertained in the context of this evaluation (PMID: 28771489). ClinVar contains an entry for this variant (Variation ID: 413039). Based on the evidence outlined above, the variant was classified as likely benign.

PreventionGenetics, part of Exact Sciences
Classification: Uncertain significance for TTN-related condition. Last evaluated: 2026-05-04. Review status: criteria provided, single submitter. Criteria: ACMG Guidelines, 2015. Collection method: clinical testing. Allele origin: germline.
Comment: The TTN c.93215G>A variant is predicted to result in the amino acid substitution p.Arg31072His. This variant has been reported in an individual with hypertrophic cardiomyopathy who also carried an additional variant in the TNNC1 gene (referred to as NM_133378:c.85511G>A (p.Arg28504His) in Supplementary Table 2, Mademont-Soler et al. 2017. PubMed ID: 28771489). This variant is reported in 0.095% of alleles in individuals of African descent in gnomAD. Although we suspect that this variant may be benign, at this time, the clinical significance of this variant is uncertain due to the absence of conclusive functional and genetic evidence.

Labcorp Genetics (formerly Invitae), Labcorp
Classification: Likely benign for Dilated cardiomyopathy 1G; Autosomal recessive limb-girdle muscular dystrophy type 2J. Last evaluated: 2026-01-27. Review status: criteria provided, single submitter. Criteria: Invitae Variant Classification Sherloc (09022015). Collection method: clinical testing. Allele origin: germline.

Molecular Diagnostic Laboratory for Inherited Cardiovascular Disease, Montreal Heart Institute
Classification: Likely benign. Last evaluated: 2025-04-09. Review status: criteria provided, single submitter. Criteria: ACMG Guidelines, 2015. Collection method: clinical testing. Allele origin: germline. Affected: no.

Revvity Omics, Revvity
Classification: Uncertain significance. Last evaluated: 2025-03-24. Review status: criteria provided, single submitter. Criteria: ACMG Guidelines, 2015. Collection method: clinical testing. Allele origin: germline.

ARUP Laboratories, Molecular Genetics and Genomics, ARUP Laboratories
Classification: Uncertain significance. Last evaluated: 2021-01-20. Review status: criteria provided, single submitter. Criteria: ARUP Molecular Germline Variant Investigation Process 2021. Collection method: clinical testing. Allele origin: germline.
Comment: The TTN c.93215G>A; p.Arg31072His variant (rs141817409; ClinVar Variation ID: 413039) is rare in the general population (<0.2% allele frequency in the Genome Aggregation Database) and has not been reported in the medical literature in association with dilated cardiomyopathy (DCM) or other TTN-related disease. The clinical relevance of rare missense variants in this gene, which are identified on average once per individual sequenced in affected populations (Herman 2012), is not well understood. Yet, evidence suggests that the vast majority of such missense variants do not contribute to the clinical outcome of DCM (Begay 2015). Thus, the clinical significance of the p.Arg31072His variant cannot be determined with certainty.

GeneDx
Classification: Likely benign. Last evaluated: 2020-03-31. Review status: criteria provided, single submitter. Criteria: GeneDx Variant Classification Process June 2021. Collection method: clinical testing. Allele origin: germline. Affected: yes.

Ambry Genetics
Classification: Likely benign for Cardiovascular phenotype. Last evaluated: 2020-01-31. Review status: criteria provided, single submitter. Criteria: Ambry Variant Classification Scheme 2023. Collection method: clinical testing. Allele origin: germline.

Cambridge Genomics Laboratory, East Genomic Laboratory Hub, NHS Genomic Medicine Service
Classification: Likely benign for Limb-girdle muscular dystrophy. Last evaluated: 2019-09-03. Review status: criteria provided, single submitter. Criteria: ACGS Best Practice Guidelines for Variant Classification in Rare Disease 2020. Collection method: clinical testing. Allele origin: germline. Affected: yes. Observed: 1 variant allele.

Athena Diagnostics
Classification: Likely benign. Last evaluated: 2018-11-14. Review status: criteria provided, single submitter. Criteria: Athena Diagnostics Criteria. Collection method: clinical testing. Allele origin: germline.

Eurofins Ntd Llc (ga)
Classification: Uncertain significance. Last evaluated: 2016-12-30. Review status: criteria provided, single submitter. Criteria: EGL Classification Definitions 2015. Collection method: clinical testing. Allele origin: germline. Observed: 1 variant allele, 1 heterozygote.

Literature cited by the submitters: PubMed 28771489 (cited by Women's Health and Genetics/Laboratory Corporation of America, LabCorp).

NM_001267550.2(TTN):c.93215G>A (p.Arg31072His)

Genes: TTN (titin; minus strand), TTN-AS1 (TTN antisense RNA 1; plus strand). Cytogenetic location: 2q31.2.
Variant type: single nucleotide variant.
Coding change: c.93215G>A on transcript NM_001267550.2 (MANE Select); coding-DNA position 93215, G replaced by A.
Protein change: p.Arg31072His; replaces arginine 31072 with histidine.
Molecular consequence: missense variant.
Genome position (GRCh38, 1-based): chr2:178,548,411, C>T on the plus strand (G>A on the coding strand, the complement: TTN is on the minus strand). VCF-style: chr2-178548411-C-T. GRCh37 (hg19) VCF-style: chr2-179413138-C-T.
Other names: c.88292G>A, p.Arg29431His (NM_001256850.1); c.66020G>A, p.Arg22007His (NM_003319.4); c.85511G>A, p.Arg28504His (NM_133378.4); c.66395G>A, p.Arg22132His (NM_133432.3); c.66596G>A, p.Arg22199His (NM_133437.4); short protein forms R31072H, R28504H, R29431H, R22007H, R22132H, R22199H.
Identifiers: ClinVar variation 413039 (VCV000413039.35), dbSNP rs141817409, ClinGen allele CA1987337.